The following is an entry in ClinVar:

NM_000059.4(BRCA2):c.96T>G (p.Phe32Leu)

Gene: BRCA2 (BRCA2 DNA repair associated; plus strand). Cytogenetic location: 13q13.1.
Variant type: single nucleotide variant.
Coding change: c.96T>G on transcript NM_000059.4 (MANE Select); coding-DNA position 96, T replaced by G.
Protein change: p.Phe32Leu; replaces phenylalanine 32 with leucine.
Molecular consequence: missense variant.
Genome position (GRCh38, 1-based): chr13:32,319,105, T>G. VCF-style: chr13-32319105-T-G. GRCh37 (hg19) VCF-style: chr13-32893242-T-G.
Other names: short protein forms F32L.
Identifiers: ClinVar variation 491386 (VCV000491386.10), dbSNP rs1555280339, ClinGen allele CA387754123.

ClinVar aggregate classification (germline): Uncertain significance. Review status: criteria provided, multiple submitters, no conflicts (2 of 4 stars). 4 submissions from 4 submitters: Uncertain significance (4). Last evaluated 2024-11-10.

Conditions:
Hereditary cancer-predisposing syndrome. Also called: Tumor predisposition; Neoplastic Syndromes, Hereditary; Hereditary Cancer Syndrome; Hereditary neoplastic syndrome. Identifiers: Orphanet 140162, MedGen C0027672, MeSH D009386, MONDO:0015356.
Hereditary breast ovarian cancer syndrome. Also called: Hereditary breast and ovarian cancer; Hereditary breast and ovarian cancer syndrome (HBOC); BRCA1- and BRCA2-Associated Hereditary Breast and Ovarian Cancer; Breast and ovarian cancer; Hereditary breast and ovarian cancer syndrome; Hereditary breast and/or ovarian cancer syndrome. Identifiers: Orphanet 145, MedGen C0677776, MeSH D061325, MONDO:0003582. Disease mechanism: loss of function.
Breast-ovarian cancer, familial, susceptibility to, 2 (BROVCA2). Also called: BRCA2 Hereditary Breast and Ovarian Cancer. Identifiers: Orphanet 145, MedGen C2675520, MONDO:0012933, OMIM 612555. Disease mechanism: loss of function.

Submissions (4):

Labcorp Genetics (formerly Invitae), Labcorp
Classification: Uncertain significance for Hereditary breast ovarian cancer syndrome. Last evaluated: 2024-11-10. Review status: criteria provided, single submitter. Criteria: Invitae Variant Classification Sherloc (09022015). Collection method: clinical testing. Allele origin: germline.
Comment: This sequence change replaces phenylalanine, which is neutral and non-polar, with leucine, which is neutral and non-polar, at codon 32 of the BRCA2 protein (p.Phe32Leu). This variant is not present in population databases (gnomAD no frequency). This variant has not been reported in the literature in individuals affected with BRCA2-related conditions. ClinVar contains an entry for this variant (Variation ID: 491386). Invitae Evidence Modeling of protein sequence and biophysical properties (such as structural, functional, and spatial information, amino acid conservation, physicochemical variation, residue mobility, and thermodynamic stability) indicates that this missense variant is not expected to disrupt BRCA2 protein function with a negative predictive value of 95%. In summary, the available evidence is currently insufficient to determine the role of this variant in disease. Therefore, it has been classified as a Variant of Uncertain Significance.

GeneDx
Classification: Uncertain significance. Last evaluated: 2023-11-20. Review status: criteria provided, single submitter. Criteria: GeneDx Variant Classification Process June 2021. Collection method: clinical testing. Allele origin: germline. Affected: yes.
Comment: Identified in an individual undergoing BRCA1/2 testing (PMID: 29176636); Not observed at significant frequency in large population cohorts (gnomAD); In silico analysis supports that this missense variant does not alter protein structure/function; Also known as 324T>G; This variant is associated with the following publications: (PMID: 19609323, 29176636)

All of Us Research Program, National Institutes of Health
Classification: Uncertain significance for Breast-ovarian cancer, familial, susceptibility to, 2. Last evaluated: 2023-06-28. Review status: criteria provided, single submitter. Criteria: ACMG Guidelines, 2015. Collection method: clinical testing. Allele origin: germline. Inheritance: Autosomal dominant inheritance. Observed: 1 variant allele, 1 heterozygote.
Comment: This study involves interpretation of variants in research participants for the purpose of population health screening. Participant phenotype was not available at the time of variant classification. Additional details can be found in publication PMID: 35346344, PMCID: PMC8962531

Color Diagnostics, LLC DBA Color Health
Classification: Uncertain significance for Hereditary cancer-predisposing syndrome. Last evaluated: 2019-05-30. Review status: criteria provided, single submitter. Criteria: ACMG Guidelines, 2015. Collection method: clinical testing. Allele origin: germline.